The following is an entry in ClinVar:

ClinVar aggregate classification (germline): Uncertain significance (1 of 4 stars; one submission).

Submission:

Labcorp Genetics (formerly Invitae), Labcorp
Classification: Uncertain significance. Last evaluated: 2025-06-12. Review status: criteria provided, single submitter. Criteria: Invitae Variant Classification Sherloc (09022015). Collection method: clinical testing. Allele origin: germline.
Comment: This variant, c.1406_1408del, results in the deletion of 1 amino acid(s) of the NLRP1 protein (p.Ser469del), but otherwise preserves the integrity of the reading frame. This variant is not present in population databases (gnomAD no frequency). This variant has not been reported in the literature in individuals affected with NLRP1-related conditions. Experimental studies and prediction algorithms are not available or were not evaluated, and the functional significance of this variant is currently unknown. In summary, the available evidence is currently insufficient to determine the role of this variant in disease. Therefore, it has been classified as a Variant of Uncertain Significance.

NM_033004.4(NLRP1):c.1403CTT[1] (p.Ser469del)

Gene: NLRP1 (NLR family pyrin domain containing 1; minus strand). Cytogenetic location: 17p13.2.
Variant type: Microsatellite.
Coding change: c.1403CTT[1] on transcript NM_033004.4 (MANE Select); one copy of the 3-base unit CTT starting at c.1403; the reference has two copies in a row; one copy, 3 bases deleted.
Protein change: p.Ser469del; deletes serine 469.
Molecular consequence: inframe deletion.
Genome position (GRCh38, 1-based): chr17:5,559,288-5,559,290, AAG deleted on the plus strand (CTT on the coding strand, the reverse complement: NLRP1 is on the minus strand); deleting any 3 consecutive bases within chr17:5,559,288-5,559,293 gives the same sequence; the position shown is the placement nearest the transcript's 3' end. VCF-style (leftmost placement, unchanged base first): chr17-5559287-AAAG-A. GRCh37 (hg19) VCF-style: chr17-5462607-AAAG-A.
Other names: c.1403CTT[1], p.Ser469del (NM_001033053.3, NM_014922.5, NM_033006.4 and 1 more transcripts); short protein forms S469del.
Identifiers: ClinVar variation 4704089 (VCV004704089.1).
Genomic context (GRCh38, chr17:5,559,287, plus strand): 5'-AAATATTCCTTCCTGCTGGACTCAGAGAACCCCAGGACCTCTACCCAACGTGCCTGCTCC[AAAG>A]AAGGAATGAGGTTCTGCAGAGCTGTGGTCCGAGCCGTGATCAGGAAGGATGCCTCGGGAA-3'